The following is an entry in ClinVar:

ClinVar aggregate classification (germline): Uncertain significance (1 of 4 stars; one submission).

Conditions:
Cardiovascular phenotype. Identifiers: MedGen CN230736.

Submission:

Ambry Genetics
Classification: Uncertain significance for Cardiovascular phenotype. Last evaluated: 2022-10-27. Review status: criteria provided, single submitter. Criteria: Ambry Variant Classification Scheme 2023. Collection method: clinical testing. Allele origin: germline.
Comment: The p.S544F variant (also known as c.1631C>T), located in coding exon 1 of the ZNF469 gene, results from a C to T substitution at nucleotide position 1631. The serine at codon 544 is replaced by phenylalanine, an amino acid with highly dissimilar properties. This amino acid position is conserved. In addition, this alteration is predicted to be tolerated by in silico analysis. Since supporting evidence is limited at this time, the clinical significance of this alteration remains unclear.

NM_001367624.2(ZNF469):c.1631C>T (p.Ser544Phe)

Gene: ZNF469 (zinc finger protein 469; plus strand). Cytogenetic location: 16q24.2.
Variant type: single nucleotide variant.
Coding change: c.1631C>T on transcript NM_001367624.2 (MANE Select); coding-DNA position 1631, C replaced by T.
Protein change: p.Ser544Phe; replaces serine 544 with phenylalanine.
Molecular consequence: missense variant.
Genome position (GRCh38, 1-based): chr16:88,429,101, C>T. VCF-style: chr16-88429101-C-T. GRCh37 (hg19) VCF-style: chr16-88495509-C-T.
Other names: NM_001127464.1:c.1631C>T; short protein forms S544F.
Identifiers: ClinVar variation 1776837 (VCV001776837.2), dbSNP rs2507575538, ClinGen allele CA397067956.
Genomic context (GRCh38, chr16:88,429,101, plus strand): 5'-CTGGCAAGACACCGGGACCCAGAGAGAAGCTGCCAGCCGTGAGAAGCAGCCAGGGCGGCT[C>T]CCCAGCACTGTTCACCTACAACGGAATGACAGACCCTGGGGCTCAGCCCCTGTTCTTCGG-3'
Protein context (NP_001354553.1, residues 534-554): LPAVRSSQGG[Ser544Phe]PALFTYNGMT